The following is an entry in ClinVar:

NM_170606.3(KMT2C):c.9143T>C (p.Leu3048Pro)

Gene: KMT2C (lysine methyltransferase 2C; minus strand). Cytogenetic location: 7q36.1.
Variant type: single nucleotide variant.
Coding change: c.9143T>C on transcript NM_170606.3 (MANE Select); coding-DNA position 9143, T replaced by C.
Protein change: p.Leu3048Pro; replaces leucine 3048 with proline.
Molecular consequence: missense variant.
Genome position (GRCh38, 1-based): chr7:152,176,310, A>G on the plus strand (T>C on the coding strand, the complement: KMT2C is on the minus strand). VCF-style: chr7-152176310-A-G. GRCh37 (hg19) VCF-style: chr7-151873395-A-G.
Other names: short protein forms L3048P.
Identifiers: ClinVar variation 3017291 (VCV003017291.3), dbSNP rs2487766131, ClinGen allele CA370076248.

ClinVar aggregate classification (germline): Uncertain significance (1 of 4 stars; one submission).

Submission:

Labcorp Genetics (formerly Invitae), Labcorp
Classification: Uncertain significance. Last evaluated: 2023-11-24. Review status: criteria provided, single submitter. Criteria: Invitae Variant Classification Sherloc (09022015). Collection method: clinical testing. Allele origin: germline.
Comment: This sequence change replaces leucine, which is neutral and non-polar, with proline, which is neutral and non-polar, at codon 3048 of the KMT2C protein (p.Leu3048Pro). This variant is not present in population databases (gnomAD no frequency). This variant has not been reported in the literature in individuals affected with KMT2C-related conditions. Advanced modeling of protein sequence and biophysical properties (such as structural, functional, and spatial information, amino acid conservation, physicochemical variation, residue mobility, and thermodynamic stability) has been performed at Invitae for this missense variant, however the output from this modeling did not meet the statistical confidence thresholds required to predict the impact of this variant on KMT2C protein function. In summary, the available evidence is currently insufficient to determine the role of this variant in disease. Therefore, it has been classified as a Variant of Uncertain Significance.